The following is an entry in ClinVar:

NM_004859.4(CLTC):c.1929C>T (p.Thr643=)

Gene: CLTC (clathrin heavy chain; plus strand). Cytogenetic location: 17q23.1.
Variant type: single nucleotide variant.
Coding change: c.1929C>T on transcript NM_004859.4 (MANE Select); coding-DNA position 1929, C replaced by T.
Protein change: p.Thr643=; no amino-acid change (threonine 643 retained).
Molecular consequence: synonymous variant.
Genome position (GRCh38, 1-based): chr17:59,666,626, C>T. VCF-style: chr17-59666626-C-T. GRCh37 (hg19) VCF-style: chr17-57743987-C-T.
Other names: c.1941C>T, p.Thr647= (NM_001288653.2).
Identifiers: ClinVar variation 3683984 (VCV003683984.5).

ClinVar aggregate classification (germline): Likely benign. Review status: criteria provided, multiple submitters, no conflicts (2 of 4 stars). 3 submissions from 3 submitters: Likely benign (3). Last evaluated 2026-05-01.

gnomAD v4.1: 1 of 1,612,766 alleles (0.000062%); highest among the groups gnomAD compares: Admixed American, 0.0017%; no homozygotes.

Submissions (3):

CeGaT Center for Human Genetics Tuebingen
Classification: Likely benign. Last evaluated: 2026-05-01. Review status: criteria provided, single submitter. Criteria: CeGaT Center For Human Genetics Tuebingen Variant Classification Criteria Version 2. Collection method: clinical testing. Allele origin: germline. Affected: yes. Observed: 1 variant allele.
Comment: CLTC: BP4, BP7

Labcorp Genetics (formerly Invitae), Labcorp
Classification: Likely benign. Last evaluated: 2024-10-21. Review status: criteria provided, single submitter. Criteria: Invitae Variant Classification Sherloc (09022015). Collection method: clinical testing. Allele origin: germline.

Blueprint Genetics
Classification: Likely benign. Last evaluated: 2022-08-24. Review status: criteria provided, single submitter. Criteria: ACMG Guidelines, 2015. Collection method: clinical testing. Allele origin: germline.